The following is an entry in ClinVar:

NM_001111.5(ADAR):c.277G>A (p.Val93Ile)

Gene: ADAR (adenosine deaminase RNA specific; minus strand). Cytogenetic location: 1q21.3.
Variant type: single nucleotide variant.
Coding change: c.277G>A on transcript NM_001111.5 (MANE Select); coding-DNA position 277, G replaced by A.
Protein change: p.Val93Ile; replaces valine 93 with isoleucine.
Molecular consequence: missense variant. On other transcripts: intron variant (3), 5 prime UTR variant (3).
Genome position (GRCh38, 1-based): chr1:154,602,365, C>T on the plus strand (G>A on the coding strand, the complement: ADAR is on the minus strand). VCF-style: chr1-154602365-C-T. GRCh37 (hg19) VCF-style: chr1-154574841-C-T.
Other names: c.277G>A, p.Val93Ile (NM_015840.4, NM_015841.4); c.-493+20G>A (NM_001365046.1, NM_001365049.1, NM_001365047.1); c.-609G>A (NM_001025107.3, NM_001193495.2, NM_001365048.1); c.304G>A, p.Val102Ile (NM_001365045.1); short protein forms V102I, V93I.
Identifiers: ClinVar variation 3364126 (VCV003364126.1).

ClinVar aggregate classification (germline): Uncertain significance (1 of 4 stars; one submission).

gnomAD v4.1: 24 of 1,605,414 alleles (0.0015%); highest among the groups gnomAD compares: South Asian, 0.026%; no homozygotes.

Submission:

GeneDx
Classification: Uncertain significance. Last evaluated: 2023-11-20. Review status: criteria provided, single submitter. Criteria: GeneDx Variant Classification Process June 2021. Collection method: clinical testing. Allele origin: germline. Affected: yes.
Comment: In silico analysis supports that this missense variant does not alter protein structure/function; Has not been previously published as pathogenic or benign to our knowledge